The following is an entry in ClinVar:

ClinVar aggregate classification (germline): Uncertain significance. Review status: criteria provided, single submitter (1 of 4 stars). 2 submissions from 2 submitters: Uncertain significance (1). 1 of the submissions does not count toward it. Last evaluated 2025-08-02.

Conditions:
SPTBN5-related disorder. Also called: SPTBN5-related condition.

Allele frequency attached by ClinVar (database versions not stated): gnomAD exomes 0.00010; ExAC 0.00049; TOPMed 0.00144; ESP Exome Variant Server 0.00152; gnomAD 0.00155; 1000 Genomes Project 30x 0.00172; 1000 Genomes Project 0.00180.
gnomAD v4.1: 407 of 1,610,508 alleles (0.025%); highest among the groups gnomAD compares: African/African-American, 0.45%; 1 homozygote.

Submissions (2):

Ambry Genetics
Classification: Uncertain significance. Last evaluated: 2025-08-02. Review status: criteria provided, single submitter. Criteria: Ambry Variant Classification Scheme 2023. Collection method: clinical testing. Allele origin: germline.

PreventionGenetics, part of Exact Sciences
Classification: Likely benign for SPTBN5-related condition. Last evaluated: 2019-11-11. Review status: no assertion criteria provided. Collection method: clinical testing. Allele origin: germline. Not counted in ClinVar's aggregate classification.
Comment: This variant is classified as likely benign based on ACMG/AMP sequence variant interpretation guidelines (Richards et al. 2015 PMID: 25741868, with internal and published modifications).

NM_016642.4(SPTBN5):c.3784C>A (p.Pro1262Thr)

Gene: SPTBN5 (spectrin beta, non-erythrocytic 5; minus strand). Cytogenetic location: 15q15.1.
Variant type: single nucleotide variant.
Coding change: c.3784C>A on transcript NM_016642.4 (MANE Select); coding-DNA position 3784, C replaced by A.
Protein change: p.Pro1262Thr; replaces proline 1262 with threonine.
Molecular consequence: missense variant.
Genome position (GRCh38, 1-based): chr15:41,876,876, G>T on the plus strand (C>A on the coding strand, the complement: SPTBN5 is on the minus strand). VCF-style: chr15-41876876-G-T. GRCh37 (hg19) VCF-style: chr15-42169074-G-T.
Other names: c.3679C>A (NM_016642.2); short protein forms P1262T.
Identifiers: ClinVar variation 3052945 (VCV003052945.3), dbSNP rs138022432, ClinGen allele CA7503512.